The following is an entry in ClinVar:

NM_004656.4(BAP1):c.1003G>C (p.Val335Leu)

Gene: BAP1 (BRCA1 associated deubiquitinase 1; minus strand). Cytogenetic location: 3p21.1.
Variant type: single nucleotide variant.
Coding change: c.1003G>C on transcript NM_004656.4 (MANE Select); coding-DNA position 1003, G replaced by C.
Protein change: p.Val335Leu; replaces valine 335 with leucine.
Molecular consequence: missense variant.
Genome position (GRCh38, 1-based): chr3:52,405,223, C>G on the plus strand (G>C on the coding strand, the complement: BAP1 is on the minus strand). VCF-style: chr3-52405223-C-G. GRCh37 (hg19) VCF-style: chr3-52439239-C-G.
Other names: c.1003G>C (NM_004656.2); short protein forms V335L.
Identifiers: ClinVar variation 1172426 (VCV001172426.7), dbSNP rs1335046935, ClinGen allele CA353106008.

ClinVar aggregate classification (germline): Uncertain significance. Review status: criteria provided, multiple submitters, no conflicts (2 of 4 stars). 3 submissions from 3 submitters: Uncertain significance (3). Last evaluated 2024-09-21.

Conditions:
BAP1-related tumor predisposition syndrome (TPDS1). Also called: Tumor susceptibility linked to germline BAP1 mutations; COMMON Syndrome; TUMOR PREDISPOSITION SYNDROME 1; BAP1 tumor predisposition syndrome. Identifiers: Orphanet 289539, MedGen C3280492, MONDO:0013692, OMIM 614327.
Hereditary cancer-predisposing syndrome. Also called: Tumor predisposition; Hereditary neoplastic syndrome; Hereditary Cancer Syndrome; Neoplastic Syndromes, Hereditary. Identifiers: Orphanet 140162, MedGen C0027672, MeSH D009386, MONDO:0015356.

Allele frequency attached by ClinVar (database versions not stated): TOPMed 0.00001.

Submissions (3):

Ambry Genetics
Classification: Uncertain significance for Hereditary cancer-predisposing syndrome. Last evaluated: 2024-09-21. Review status: criteria provided, single submitter. Criteria: Ambry Variant Classification Scheme 2023. Collection method: clinical testing. Allele origin: germline.
Comment: The p.V335L variant (also known as c.1003G>C), located in coding exon 11 of the BAP1 gene, results from a G to C substitution at nucleotide position 1003. The valine at codon 335 is replaced by leucine, an amino acid with highly similar properties. This amino acid position is conserved. In addition, this alteration is predicted to be tolerated by in silico analysis. Based on the available evidence, the clinical significance of this variant remains unclear.

Color Diagnostics, LLC DBA Color Health
Classification: Uncertain significance for Hereditary cancer-predisposing syndrome. Last evaluated: 2024-03-06. Review status: criteria provided, single submitter. Criteria: ACMG Guidelines, 2015. Collection method: clinical testing. Allele origin: germline.
Comment: This missense variant replaces valine with leucine at codon 335 of the BAP1 protein. Computational prediction suggests that this variant may not impact protein structure and function. To our knowledge, functional studies have not been reported for this variant. This variant has not been reported in individuals affected with BAP1-related disorders in the literature. This variant has not been identified in the general population by the Genome Aggregation Database (gnomAD). The available evidence is insufficient to determine the role of this variant in disease conclusively. Therefore, this variant is classified as a Variant of Uncertain Significance.

Labcorp Genetics (formerly Invitae), Labcorp
Classification: Uncertain significance for BAP1-related tumor predisposition syndrome. Last evaluated: 2023-09-08. Review status: criteria provided, single submitter. Criteria: Invitae Variant Classification Sherloc (09022015). Collection method: clinical testing. Allele origin: germline.
Comment: ClinVar contains an entry for this variant (Variation ID: 1172426). Advanced modeling of protein sequence and biophysical properties (such as structural, functional, and spatial information, amino acid conservation, physicochemical variation, residue mobility, and thermodynamic stability) performed at Invitae indicates that this missense variant is not expected to disrupt BAP1 protein function. RNA analysis performed to evaluate the impact of this missense change on mRNA splicing indicates it does not significantly alter splicing (Invitae). In summary, the available evidence is currently insufficient to determine the role of this variant in disease. Therefore, it has been classified as a Variant of Uncertain Significance. This variant has not been reported in the literature in individuals affected with BAP1-related conditions. This sequence change replaces valine, which is neutral and non-polar, with leucine, which is neutral and non-polar, at codon 335 of the BAP1 protein (p.Val335Leu). This variant is not present in population databases (gnomAD no frequency).